The following is an entry in ClinVar:

ClinVar aggregate classification (germline): Likely benign (1 of 4 stars; one submission).

Conditions:
Catecholaminergic polymorphic ventricular tachycardia (CVPT). Also called: Catecholamine-induced polymorphic ventricular tachycardia. Identifiers: Orphanet 3286, MedGen C5574922, MONDO:0017990.

Submission:

All of Us Research Program, National Institutes of Health
Classification: Likely benign for Catecholaminergic polymorphic ventricular tachycardia. Last evaluated: 2023-12-13. Review status: criteria provided, single submitter. Criteria: ACMG Guidelines, 2015. Collection method: clinical testing. Allele origin: germline. Inheritance: Autosomal dominant inheritance. Observed: 2 variant alleles, 2 heterozygotes.
Comment: This study involves interpretation of variants in research participants for the purpose of population health screening. Participant phenotype was not available at the time of variant classification. Additional details can be found in publication PMID: 35346344, PMCID: PMC8962531

NM_001035.3(RYR2):c.5118G>A (p.Leu1706=)

Gene: RYR2 (ryanodine receptor 2; plus strand). Cytogenetic location: 1q43.
Variant type: single nucleotide variant.
Coding change: c.5118G>A on transcript NM_001035.3 (MANE Select); coding-DNA position 5118, G replaced by A.
Protein change: p.Leu1706=; no amino-acid change (leucine 1706 retained).
Molecular consequence: synonymous variant.
Genome position (GRCh38, 1-based): chr1:237,614,246, G>A. VCF-style: chr1-237614246-G-A. GRCh37 (hg19) VCF-style: chr1-237777546-G-A.
Identifiers: ClinVar variation 3073353 (VCV003073353.1), dbSNP rs1417993380, ClinGen allele CA073814.